The following is an entry in ClinVar:

ClinVar aggregate classification (germline): Uncertain significance. Review status: criteria provided, multiple submitters, no conflicts (2 of 4 stars). 3 submissions from 3 submitters: Uncertain significance (3). Last evaluated 2024-09-23.

Conditions:
ABCA2-related disorder. Also called: ABCA2-related condition.

Allele frequency attached by ClinVar (database versions not stated): gnomAD 0.00007; TOPMed 0.00010; ExAC 0.00019; 1000 Genomes Project 0.00020; 1000 Genomes Project 30x 0.00031.
gnomAD v4.1: 93 of 1,590,816 alleles (0.0058%); highest among the groups gnomAD compares: Middle Eastern, 0.033%; no homozygotes.

Submissions (3):

Blueprint Genetics
Classification: Uncertain significance. Last evaluated: 2024-09-23. Review status: criteria provided, single submitter. Criteria: ACMG Guidelines, 2015. Collection method: clinical testing. Allele origin: germline.

PreventionGenetics, part of Exact Sciences
Classification: Uncertain significance for ABCA2-related condition. Last evaluated: 2023-04-18. Review status: criteria provided, single submitter. Criteria: ACMG Guidelines, 2015. Collection method: clinical testing. Allele origin: germline.
Comment: The ABCA2 c.7265G>A variant is predicted to result in the amino acid substitution p.Arg2422Gln. To our knowledge, this variant has not been reported in the literature. This variant is reported in 0.070% of alleles in individuals of East Asian descent in gnomAD, which may be too common to be an undocumented primary cause of disease. Although we suspect that this variant may be benign, at this time, the clinical significance of this variant is uncertain due to the absence of conclusive functional and genetic evidence.

Ambry Genetics
Classification: Uncertain significance. Last evaluated: 2021-08-09. Review status: criteria provided, single submitter. Criteria: Ambry Variant Classification Scheme 2023. Collection method: clinical testing. Allele origin: germline.

NM_001606.5(ABCA2):c.7175G>A (p.Arg2392Gln)

Gene: ABCA2 (ATP binding cassette subfamily A member 2; minus strand). Cytogenetic location: 9q34.3.
Variant type: single nucleotide variant.
Coding change: c.7175G>A on transcript NM_001606.5 (MANE Select); coding-DNA position 7175, G replaced by A.
Protein change: p.Arg2392Gln; replaces arginine 2392 with glutamine.
Molecular consequence: missense variant.
Genome position (GRCh38, 1-based): chr9:137,008,516, C>T on the plus strand (G>A on the coding strand, the complement: ABCA2 is on the minus strand). VCF-style: chr9-137008516-C-T. GRCh37 (hg19) VCF-style: chr9-139902968-C-T.
Other names: c.7172G>A, p.Arg2391Gln (NM_001411042.1); c.7265G>A, p.Arg2422Gln (NM_212533.3); short protein forms R2392Q, R2422Q, R2391Q.
Identifiers: ClinVar variation 2353929 (VCV002353929.4), dbSNP rs547600750, ClinGen allele CA5353267.